The following is an entry in ClinVar:

NM_000051.4(ATM):c.2079T>G (p.Cys693Trp)

Gene: ATM (ATM serine/threonine kinase; plus strand). Cytogenetic location: 11q22.3.
Variant type: single nucleotide variant.
Coding change: c.2079T>G on transcript NM_000051.4 (MANE Select); coding-DNA position 2079, T replaced by G.
Protein change: p.Cys693Trp; replaces cysteine 693 with tryptophan.
Molecular consequence: missense variant.
Genome position (GRCh38, 1-based): chr11:108,253,994, T>G. VCF-style: chr11-108253994-T-G. GRCh37 (hg19) VCF-style: chr11-108124721-T-G.
Other names: c.2079T>G, p.Cys693Trp (NM_001351834.2); short protein forms C693W.
Identifiers: ClinVar variation 3325580 (VCV003325580.1).

ClinVar aggregate classification (germline): Uncertain significance (1 of 4 stars; one submission).

Conditions:
Hereditary cancer-predisposing syndrome. Also called: Neoplastic Syndromes, Hereditary; Tumor predisposition; Hereditary neoplastic syndrome; Hereditary Cancer Syndrome. Identifiers: Orphanet 140162, MedGen C0027672, MeSH D009386, MONDO:0015356.

Submission:

Ambry Genetics
Classification: Uncertain significance for Hereditary cancer-predisposing syndrome. Last evaluated: 2024-04-19. Review status: criteria provided, single submitter. Criteria: Ambry Variant Classification Scheme 2023. Collection method: clinical testing. Allele origin: germline.
Comment: The p.C693W variant (also known as c.2079T>G), located in coding exon 12 of the ATM gene, results from a T to G substitution at nucleotide position 2079. The cysteine at codon 693 is replaced by tryptophan, an amino acid with highly dissimilar properties. This amino acid position is conserved. In addition, this alteration is predicted to be tolerated by in silico analysis. Based on the available evidence, the clinical significance of this variant remains unclear.